The following is an entry in ClinVar:

NM_080916.3(DGUOK):c.677A>G (p.His226Arg)

Gene: DGUOK (deoxyguanosine kinase; plus strand). Cytogenetic location: 2p13.1.
Variant type: single nucleotide variant.
Coding change: c.677A>G on transcript NM_080916.3 (MANE Select); coding-DNA position 677, A replaced by G.
Protein change: p.His226Arg; replaces histidine 226 with arginine.
Molecular consequence: missense variant. On other transcripts: non-coding transcript variant (1), intron variant (2).
Genome position (GRCh38, 1-based): chr2:73,957,210, A>G. VCF-style: chr2-73957210-A-G. GRCh37 (hg19) VCF-style: chr2-74184337-A-G.
Other names: c.386A>G, p.His129Arg (NM_001318860.2, NM_001318861.2); c.368A>G, p.His123Arg (NM_001318862.2, NM_001318863.2); c.444-936A>G (NM_080918.3); c.426-936A>G (NM_001318859.2); c.677A>G (NM_080916.2); short protein forms H123R, H129R, H226R.
Identifiers: ClinVar variation 2203105 (VCV002203105.3), dbSNP rs1345120527, ClinGen allele CA347301708.

ClinVar aggregate classification (germline): Pathogenic. Review status: criteria provided, multiple submitters, no conflicts (2 of 4 stars). 2 submissions from 2 submitters: Pathogenic (2). Last evaluated 2025-12-10.

Conditions:
DGUOK-related disorder. Also called: DGUOK-related condition.

Allele frequency attached by ClinVar (database versions not stated): gnomAD exomes below 0.00001; TOPMed 0.00001.
gnomAD v4.1: 2 of 1,614,058 alleles (0.00012%); highest among the groups gnomAD compares: Admixed American, 0.0017%; no homozygotes.

Submissions (2):

Labcorp Genetics (formerly Invitae), Labcorp
Classification: Pathogenic. Last evaluated: 2025-12-10. Review status: criteria provided, single submitter. Criteria: Invitae Variant Classification Sherloc (09022015). Collection method: clinical testing. Allele origin: germline.
Comment: This sequence change replaces histidine, which is basic and polar, with arginine, which is basic and polar, at codon 226 of the DGUOK protein (p.His226Arg). This variant is present in population databases (no rsID available, gnomAD 0.003%). This missense change has been observed in individuals with mitochondrial DNA depletion syndrome (PMID: 18205204, 22980518). It has also been observed to segregate with disease in related individuals. ClinVar contains an entry for this variant (Variation ID: 2203105). Invitae Evidence Modeling of protein sequence and biophysical properties (such as structural, functional, and spatial information, amino acid conservation, physicochemical variation, residue mobility, and thermodynamic stability) indicates that this missense variant is expected to disrupt DGUOK protein function with a positive predictive value of 95%. For these reasons, this variant has been classified as Pathogenic.

PreventionGenetics, part of Exact Sciences
Classification: Pathogenic for DGUOK-related condition. Last evaluated: 2024-10-14. Review status: criteria provided, single submitter. Criteria: ACMG Guidelines, 2015. Collection method: clinical testing. Allele origin: germline.
Comment: The DGUOK c.677A>G variant is predicted to result in the amino acid substitution p.His226Arg. This variant was reported, along with another possible causative variant or in the homozygous state, in individuals with mitochondrial DNA depletion syndrome (Dimmock et al. 2008. PubMed ID: 18205204; Wojcik et al. 2019. PubMed ID: 31395954; Fang et al. 2017. PubMed ID: 29137425; Nobre et al. 2012. PubMed ID: 22602837; Costa et al. 2018. PubMed ID: 28411097; Camara et al. 2014. PubMed ID: 24362886). This variant is reported in 0.0029% of alleles in individuals of Latino descent in gnomAD. We classify this variant as pathogenic.

Literature cited by the submitters: PubMed 18205204 (cited by Labcorp Genetics (formerly Invitae), Labcorp); PubMed 22980518 (cited by Labcorp Genetics (formerly Invitae), Labcorp).